The following is an entry in ClinVar:

ClinVar aggregate classification (germline): Conflicting classifications of pathogenicity. Review status: criteria provided, conflicting classifications (1 of 4 stars). 3 submissions from 3 submitters: Likely pathogenic (1); Uncertain significance (2). Last evaluated 2025-12-15.

Conditions:
Retinal disorder. Also called: Retinal disorders; Retinopathies; Retinal Diseases; Retinopathy. Identifiers: MedGen C0035309, MONDO:0005283, HP:0000488.
CACNA2D4-related disorder. Also called: CACNA2D4-related condition.

Submissions (3):

Labcorp Genetics (formerly Invitae), Labcorp
Classification: Uncertain significance. Last evaluated: 2025-12-15. Review status: criteria provided, single submitter. Criteria: Invitae Variant Classification Sherloc (09022015). Collection method: clinical testing. Allele origin: germline.
Comment: This sequence change creates a premature translational stop signal (p.Arg803Alafs*30) in the CACNA2D4 gene. It is expected to result in an absent or disrupted protein product. However, the current clinical and genetic evidence is not sufficient to establish whether loss-of-function variants in CACNA2D4 cause disease. This variant is present in population databases (rs767255782, gnomAD 0.01%). This premature translational stop signal has been observed in individual(s) with retinal dystrophy without a second variant identified (PMID: 30902645). ClinVar contains an entry for this variant (Variation ID: 1056841). In summary, the available evidence is currently insufficient to determine the role of this variant in disease. Therefore, it has been classified as a Variant of Uncertain Significance.

Genetics Laboratory, Great Ormond Street Hospital NHS Foundation Trust, North Thames Genomic Laboratory Hub
Classification: Uncertain significance for Retinal disorders. Last evaluated: 2025-11-13. Review status: criteria provided, single submitter. Criteria: ACGS Best Practice Guidelines for Variant Classification in Rare Disease 2024 v1.2. Collection method: clinical testing. Allele origin: germline. Affected: yes.
Comment: PVS1_very-strong

Blueprint Genetics
Classification: Likely pathogenic for CACNA2D4-related disorders. Last evaluated: 2022-11-04. Review status: criteria provided, single submitter. Criteria: ACMG Guidelines, 2015. Collection method: clinical testing. Allele origin: germline. Affected: yes. Observed: 5 variant alleles.

Literature cited by the submitters: PubMed 30902645 (cited by Labcorp Genetics (formerly Invitae), Labcorp).

NM_172364.5(CACNA2D4):c.2407del (p.Arg803fs)

Gene: CACNA2D4 (calcium voltage-gated channel auxiliary subunit alpha2delta 4; minus strand). Cytogenetic location: 12p13.33.
Variant type: Deletion.
Coding change: c.2407del on transcript NM_172364.5 (MANE Select); coding-DNA position 2407, one base deleted (C; older notation c.2407delC).
Protein change: p.Arg803fs; shifts the reading frame from arginine 803.
Molecular consequence: frameshift variant.
Genome position (GRCh38, 1-based): chr12:1,844,465, G deleted on the plus strand (C on the coding strand, the reverse complement: CACNA2D4 is on the minus strand); the first of 2 consecutive G bases (chr12:1,844,465-1,844,466); deleting either gives the same sequence. VCF-style (leftmost placement, unchanged base first): chr12-1844464-CG-C. GRCh37 (hg19) VCF-style: chr12-1953630-CG-C.
Other names: short protein forms R803fs.
Identifiers: ClinVar variation 1056841 (VCV001056841.9), dbSNP rs767255782, ClinGen allele CA6386707.